The following is an entry in ClinVar:

NM_153717.3(EVC):c.55dup (p.Asp19fs)

Gene: EVC (EvC ciliary complex subunit 1; plus strand). Cytogenetic location: 4p16.2.
Variant type: Duplication.
Coding change: c.55dup on transcript NM_153717.3 (MANE Select); coding-DNA position 55, one base duplicated (G; older notation c.55dupG).
Protein change: p.Asp19fs; shifts the reading frame from aspartic acid 19.
Molecular consequence: frameshift variant.
Genome position (GRCh38, 1-based): chr4:5,711,435, G duplicated; the last of 3 consecutive G bases (chr4:5,711,433-5,711,435); duplicating any one gives the same sequence. VCF-style (leftmost placement, unchanged base first): chr4-5711432-C-CG. GRCh37 (hg19) VCF-style: chr4-5713159-C-CG.
Other names: c.55dup, p.Asp19fs (NM_001306090.2, NM_001306092.2); short protein forms D19fs.
Identifiers: ClinVar variation 5011948 (VCV005011948.1).

ClinVar aggregate classification (germline): Pathogenic (1 of 4 stars; one submission).

Conditions:
Ellis-van Creveld syndrome (EVC). Also called: MESOECTODERMAL DYSPLASIA; Chondroectodermal dysplasia. Identifiers: Orphanet 289, MedGen C0013903, MONDO:0009162, OMIM 225500.

Submission:

Myriad Genetics, Inc.
Classification: Pathogenic for Ellis-van Creveld syndrome. Last evaluated: 2023-09-27. Review status: criteria provided, single submitter. Criteria: Myriad Autosomal Dominant, Autosomal Recessive and X-Linked Classification Criteria (2023). Collection method: clinical testing. Allele origin: unknown.
Comment: NM_153717.2(EVC):c.55dupG(D19Gfs*54) is expected to be pathogenic in the context of EVC-related Ellis-van Creveld syndrome. This variant is predicted to lead to an abnormal or absent protein product due to the creation of a premature termination codon in EVC, a gene where loss-of-function variants are known to be pathogenic. Please note: this variant was assessed in the context of healthy population screening.